The following is an entry in ClinVar:

NM_000268.4(NF2):c.1701C>G (p.Asp567Glu)

Gene: NF2 (NF2, moesin-ezrin-radixin like (MERLIN) tumor suppressor; plus strand). Cytogenetic location: 22q12.2.
Variant type: single nucleotide variant.
Coding change: c.1701C>G on transcript NM_000268.4 (MANE Select); coding-DNA position 1701, C replaced by G.
Protein change: p.Asp567Glu; replaces aspartic acid 567 with glutamic acid.
Molecular consequence: missense variant. On other transcripts: non-coding transcript variant (1), intron variant (1).
Genome position (GRCh38, 1-based): chr22:29,681,565, C>G. VCF-style: chr22-29681565-C-G. GRCh37 (hg19) VCF-style: chr22-30077554-C-G.
Other names: c.1701C>G, p.Asp567Glu (NM_016418.5, NM_181825.3, NM_181832.3); c.1575C>G, p.Asp525Glu (NM_181828.3); c.1578C>G, p.Asp526Glu (NM_181829.3); c.1452C>G, p.Asp484Glu (NM_181830.3, NM_181831.3); c.448-13187C>G (NM_181833.3); short protein forms D567E, D526E, D484E, D525E.
Identifiers: ClinVar variation 457904 (VCV000457904.20), dbSNP rs1049732514, ClinGen allele CA10175568.

ClinVar aggregate classification (germline): Conflicting classifications of pathogenicity. Review status: criteria provided, conflicting classifications (1 of 4 stars). 7 submissions from 7 submitters: Uncertain significance (2); Benign (1); Likely benign (4). Last evaluated 2025-11-17.

Conditions:
Neurofibromatosis, type 2 (SWNV). Also called: BILATERAL ACOUSTIC NEUROFIBROMATOSIS; SCHWANNOMATOSIS, VESTIBULAR; NF2-Related Schwannomatosis. Identifiers: Orphanet 637, MedGen C0027832, MONDO:0007039, OMIM 101000. Disease mechanism: loss of function.
SMARCB1-related schwannomatosis. Also called: Schwannomatosis 1; SWNTS1. Identifiers: Orphanet 93921, MedGen C4048809, MONDO:0024517, OMIM 162091. Disease mechanism: loss of function.
Familial meningioma. Also called: Meningioma, familial, susceptibility to. Identifiers: Orphanet 263662, MedGen C3551915, MONDO:0011789, OMIM 607174.
Hereditary cancer-predisposing syndrome. Also called: Neoplastic Syndromes, Hereditary; Tumor predisposition; Hereditary neoplastic syndrome; Hereditary Cancer Syndrome. Identifiers: Orphanet 140162, MedGen C0027672, MeSH D009386, MONDO:0015356.

Allele frequency attached by ClinVar (database versions not stated): gnomAD 0.00001; gnomAD exomes 0.00002 and 0.00004; TOPMed 0.00003; ExAC 0.00005.
gnomAD v4.1: 14 of 1,614,026 alleles (0.00087%); highest among the groups gnomAD compares: Admixed American, 0.02%; no homozygotes.

Submissions (7):

Labcorp Genetics (formerly Invitae), Labcorp
Classification: Likely benign for Neurofibromatosis, type 2. Last evaluated: 2025-11-17. Review status: criteria provided, single submitter. Criteria: Invitae Variant Classification Sherloc (09022015). Collection method: clinical testing. Allele origin: germline.

Athena Diagnostics
Classification: Likely benign. Last evaluated: 2025-07-09. Review status: criteria provided, single submitter. Criteria: Athena Diagnostics Criteria. Collection method: clinical testing. Allele origin: unknown.
Comment: The frequency of this variant in the general population is higher than would generally be expected for pathogenic variants in this gene. Computational tools predict this amino acid change may be benign.

All of Us Research Program, National Institutes of Health
Classification: Likely benign for Neurofibromatosis, type 2. Last evaluated: 2024-09-23. Review status: criteria provided, single submitter. Criteria: ACMG Guidelines, 2015. Collection method: clinical testing. Allele origin: germline. Inheritance: Autosomal dominant inheritance. Observed: 8 variant alleles, 8 heterozygotes.
Comment: This study involves interpretation of variants in research participants for the purpose of population health screening. Participant phenotype was not available at the time of variant classification. Additional details can be found in publication PMID: 35346344, PMCID: PMC8962531

Ambry Genetics
Classification: Benign for Hereditary cancer-predisposing syndrome. Last evaluated: 2023-07-07. Review status: criteria provided, single submitter. Criteria: Ambry Variant Classification Scheme 2023. Collection method: clinical testing. Allele origin: germline.

Color Diagnostics, LLC DBA Color Health
Classification: Likely benign for Neurofibromatosis, type 2. Last evaluated: 2022-04-22. Review status: criteria provided, single submitter. Criteria: ACMG Guidelines, 2015. Collection method: clinical testing. Allele origin: germline.

Genome-Nilou Lab
Classification: Uncertain significance for Neurofibromatosis, type 2. Last evaluated: 2021-11-07. Review status: criteria provided, single submitter. Criteria: ACMG Guidelines, 2015. Collection method: clinical testing. Allele origin: germline. Affected: no.

Fulgent Genetics
Classification: Uncertain significance for Neurofibromatosis, type 2; SMARCB1-related schwannomatosis; Familial meningioma. Last evaluated: 2018-10-31. Review status: criteria provided, single submitter. Criteria: ACMG Guidelines, 2015. Collection method: clinical testing. Allele origin: unknown.

Literature cited by the submitters: PubMed 35332608 (cited by Athena Diagnostics).